The following is an entry in ClinVar:

ClinVar aggregate classification (germline): Conflicting classifications of pathogenicity. Review status: criteria provided, conflicting classifications (1 of 4 stars). 3 submissions from 3 submitters: Uncertain significance (1); Likely benign (1). 1 of the submissions does not count toward it. Last evaluated 2024-12-04.

Conditions:
DCTN1-related disorder. Also called: DCTN1-related condition.
Inborn genetic diseases. Identifiers: MedGen C0950123, MeSH D030342.
Perry syndrome. Also called: PARKINSONISM WITH ALVEOLAR HYPOVENTILATION AND MENTAL DEPRESSION. Identifiers: Orphanet 178509, MedGen C1868594, MONDO:0008201, OMIM 168605.
Amyotrophic lateral sclerosis type 1 (ALS1). Also called: AMYOTROPHIC LATERAL SCLEROSIS 1, FAMILIAL. Identifiers: Orphanet 803, MedGen C1862939, MONDO:0007103, OMIM 105400.
Neuronopathy, distal hereditary motor, type 7B. Also called: HMN VIIB; LOWER MOTOR NEURON DISEASE, DYNACTIN TYPE; Distal Hereditary Motor Neuronopathy Type 7B (dHMN7B); NEURONOPATHY, DISTAL HEREDITARY MOTOR, AUTOSOMAL DOMINANT 14; NEURONOPATHY, DISTAL HEREDITARY MOTOR, HARDING TYPE VIIB; NEUROPATHY, DISTAL HEREDITARY MOTOR, HARDING TYPE VIIB. Identifiers: Orphanet 139589, MedGen C1843315, MONDO:0011879, OMIM 607641.

Allele frequency attached by ClinVar (database versions not stated): gnomAD exomes 0.00003; ExAC 0.00005; gnomAD 0.00007; TOPMed 0.00007; ESP Exome Variant Server 0.00015.
gnomAD v4.1: 22 of 1,614,068 alleles (0.0014%); highest among the groups gnomAD compares: African/African-American, 0.02%; no homozygotes.

Submissions (3):

Ambry Genetics
Classification: Likely benign for Inborn genetic diseases. Last evaluated: 2024-12-04. Review status: criteria provided, single submitter. Criteria: Ambry Variant Classification Scheme 2023. Collection method: clinical testing. Allele origin: germline.

Labcorp Genetics (formerly Invitae), Labcorp
Classification: Uncertain significance for Amyotrophic lateral sclerosis type 1; Neuronopathy, distal hereditary motor, type 7B; Perry syndrome. Last evaluated: 2024-02-03. Review status: criteria provided, single submitter. Criteria: Invitae Variant Classification Sherloc (09022015). Collection method: clinical testing. Allele origin: germline.
Comment: This sequence change replaces arginine, which is basic and polar, with histidine, which is basic and polar, at codon 497 of the DCTN1 protein (p.Arg497His). This variant is present in population databases (rs369086889, gnomAD 0.03%). This variant has not been reported in the literature in individuals affected with DCTN1-related conditions. ClinVar contains an entry for this variant (Variation ID: 1430404). Advanced modeling of protein sequence and biophysical properties (such as structural, functional, and spatial information, amino acid conservation, physicochemical variation, residue mobility, and thermodynamic stability) performed at Invitae indicates that this missense variant is not expected to disrupt DCTN1 protein function with a negative predictive value of 80%. In summary, the available evidence is currently insufficient to determine the role of this variant in disease. Therefore, it has been classified as a Variant of Uncertain Significance.

PreventionGenetics, part of Exact Sciences
Classification: Uncertain significance for DCTN1-related condition. Last evaluated: 2024-08-18. Review status: no assertion criteria provided. Collection method: clinical testing. Allele origin: germline. Not counted in ClinVar's aggregate classification.
Comment: The DCTN1 c.1490G>A variant is predicted to result in the amino acid substitution p.Arg497His. To our knowledge, this variant has not been reported in the literature. This variant is reported in 0.028% of alleles in individuals of African descent in gnomAD. At this time, the clinical significance of this variant is uncertain due to the absence of conclusive functional and genetic evidence.

NM_004082.5(DCTN1):c.1490G>A (p.Arg497His)

Gene: DCTN1 (dynactin subunit 1; minus strand). Cytogenetic location: 2p13.1.
Variant type: single nucleotide variant.
Coding change: c.1490G>A on transcript NM_004082.5 (MANE Select); coding-DNA position 1490, G replaced by A.
Protein change: p.Arg497His; replaces arginine 497 with histidine.
Molecular consequence: missense variant. On other transcripts: non-coding transcript variant (1).
Genome position (GRCh38, 1-based): chr2:74,369,394, C>T on the plus strand (G>A on the coding strand, the complement: DCTN1 is on the minus strand). VCF-style: chr2-74369394-C-T. GRCh37 (hg19) VCF-style: chr2-74596521-C-T.
Other names: c.1430G>A, p.Arg477His (NM_001135040.3); c.1088G>A, p.Arg363His (NM_001135041.3, NM_023019.4); c.1379G>A, p.Arg460His (NM_001190836.2); c.1469G>A, p.Arg490His (NM_001190837.2); c.1439G>A, p.Arg480His (NM_001378991.1); c.1421G>A, p.Arg474His (NM_001378992.1); c.1490G>A (NM_004082.4); short protein forms R363H, R474H, R477H, R497H, R460H, R490H, R480H.
Identifiers: ClinVar variation 1430404 (VCV001430404.10), dbSNP rs369086889, ClinGen allele CA1722132.
Genomic context (GRCh38, chr2:74,369,394, plus strand): 5'-ATGGTCTGCTGGTAGTCTGCAACCGTCTCCTGGGCTGCCTCCACACGCTTCTGGGCCTCA[C>T]GAACCCGCGCGCCTGCCATGTCCAGCTGCTCCCGCAGCTCCAGTTCTGTCTCACGTGCAT-3'
Protein context (NP_004073.2, residues 487-507): EQLDMAGARV[Arg497His]EAQKRVEAAQ